The following is an entry in ClinVar:

ClinVar aggregate classification (germline): Uncertain significance (1 of 4 stars; one submission).

Conditions:
Hereditary cancer-predisposing syndrome. Also called: Hereditary Cancer Syndrome; Hereditary neoplastic syndrome; Neoplastic Syndromes, Hereditary; Tumor predisposition. Identifiers: Orphanet 140162, MedGen C0027672, MeSH D009386, MONDO:0015356.

Submission:

Ambry Genetics
Classification: Uncertain significance for Hereditary cancer-predisposing syndrome. Last evaluated: 2021-05-29. Review status: criteria provided, single submitter. Criteria: Ambry Variant Classification Scheme 2023. Collection method: clinical testing. Allele origin: germline.
Comment: The p.Q346K variant (also known as c.1036C>A), located in coding exon 3 of the AXIN2 gene, results from a C to A substitution at nucleotide position 1036. The glutamine at codon 346 is replaced by lysine, an amino acid with similar properties. This amino acid position is well conserved in available vertebrate species. In addition, the in silico prediction for this alteration is inconclusive. Since supporting evidence is limited at this time, the clinical significance of this alteration remains unclear.

NM_004655.4(AXIN2):c.1036C>A (p.Gln346Lys)

Gene: AXIN2 (axin 2; minus strand). Cytogenetic location: 17q24.1.
Variant type: single nucleotide variant.
Coding change: c.1036C>A on transcript NM_004655.4 (MANE Select); coding-DNA position 1036, C replaced by A.
Protein change: p.Gln346Lys; replaces glutamine 346 with lysine.
Molecular consequence: missense variant.
Genome position (GRCh38, 1-based): chr17:65,541,478, G>T on the plus strand (C>A on the coding strand, the complement: AXIN2 is on the minus strand). VCF-style: chr17-65541478-G-T. GRCh37 (hg19) VCF-style: chr17-63537596-G-T.
Other names: c.1036C>A, p.Gln346Lys (NM_001363813.1); short protein forms Q346K.
Identifiers: ClinVar variation 1772648 (VCV001772648.2), dbSNP rs1598104209, ClinGen allele CA400679154.